The following is an entry in ClinVar:

ClinVar aggregate classification (germline): Uncertain significance (1 of 4 stars; one submission).

Submission:

GeneDx
Classification: Uncertain significance. Last evaluated: 2022-05-31. Review status: criteria provided, single submitter. Criteria: GeneDx Variant Classification Process June 2021. Collection method: clinical testing. Allele origin: germline. Affected: yes.
Comment: Not observed at significant frequency in large population cohorts (gnomAD); In silico analysis supports that this missense variant does not alter protein structure/function; Has not been previously published as pathogenic or benign to our knowledge

NM_030632.3(ASXL3):c.5299C>T (p.Pro1767Ser)

Gene: ASXL3 (ASXL transcriptional regulator 3; plus strand). Cytogenetic location: 18q12.1.
Variant type: single nucleotide variant.
Coding change: c.5299C>T on transcript NM_030632.3 (MANE Select); coding-DNA position 5299, C replaced by T.
Protein change: p.Pro1767Ser; replaces proline 1767 with serine.
Molecular consequence: missense variant.
Genome position (GRCh38, 1-based): chr18:33,745,147, C>T. VCF-style: chr18-33745147-C-T. GRCh37 (hg19) VCF-style: chr18-31325111-C-T.
Other names: short protein forms P1767S.
Identifiers: ClinVar variation 1801997 (VCV001801997.1), dbSNP rs2510931346, ClinGen allele CA402193735.